The following is an entry in ClinVar:

ClinVar aggregate classification (germline): Uncertain significance (1 of 4 stars; one submission).

gnomAD v4.1: 93 of 1,614,086 alleles (0.0058%); highest among the groups gnomAD compares: Middle Eastern, 0.033%; no homozygotes.

Submission:

Labcorp Genetics (formerly Invitae), Labcorp
Classification: Uncertain significance. Last evaluated: 2025-10-11. Review status: criteria provided, single submitter. Criteria: Invitae Variant Classification Sherloc (09022015). Collection method: clinical testing. Allele origin: germline.
Comment: This sequence change replaces serine, which is neutral and polar, with glycine, which is neutral and non-polar, at codon 567 of the PCK2 protein (p.Ser567Gly). This variant is present in population databases (rs754519255, gnomAD 0.2%), and has an allele count higher than expected for a pathogenic variant. This variant has not been reported in the literature in individuals affected with PCK2-related conditions. Invitae Evidence Modeling of protein sequence and biophysical properties (such as structural, functional, and spatial information, amino acid conservation, physicochemical variation, residue mobility, and thermodynamic stability) indicates that this missense variant is not expected to disrupt PCK2 protein function with a negative predictive value of 80%. In summary, the available evidence is currently insufficient to determine the role of this variant in disease. Therefore, it has been classified as a Variant of Uncertain Significance.

NM_004563.4(PCK2):c.1699A>G (p.Ser567Gly)

Genes: NRL (neural retina leucine zipper; minus strand), PCK2 (phosphoenolpyruvate carboxykinase 2, mitochondrial; plus strand). Cytogenetic location: 14q12.
Variant type: single nucleotide variant.
Coding change: c.1699A>G on transcript NM_004563.4 (MANE Select); coding-DNA position 1699, A replaced by G.
Protein change: p.Ser567Gly; replaces serine 567 with glycine.
Molecular consequence: missense variant. On other transcripts: intron variant (3).
Genome position (GRCh38, 1-based): chr14:24,103,740, A>G. VCF-style: chr14-24103740-A-G. GRCh37 (hg19) VCF-style: chr14-24572949-A-G.
Other names: c.1297A>G, p.Ser433Gly (NM_001291556.2, NM_001308054.2); c.-28+10982T>C (NM_001354768.3, NM_001354770.2); c.-254+10982T>C (NM_006177.5); short protein forms S433G, S567G.
Identifiers: ClinVar variation 4808781 (VCV004808781.1).
Genomic context (GRCh38, chr14:24,103,740, plus strand): 5'-GGCTTTGGGGAGAATGCTCGGGTGCTAGACTGGATCTGCCGGCGGTTAGAGGGGGAGGAC[A>G]GTGCCCGAGAGACACCCATTGGGCTGGTGCCAAAGGAAGGAGCCTTGGATCTCAGCGGCC-3'
Protein context (NP_004554.3, residues 557-577): WICRRLEGED[Ser567Gly]ARETPIGLVP